The following is an entry in ClinVar:

NM_000742.4(CHRNA2):c.1372G>A (p.Gly458Ser)

Gene: CHRNA2 (cholinergic receptor nicotinic alpha 2 subunit; minus strand). Cytogenetic location: 8p21.2.
Variant type: single nucleotide variant.
Coding change: c.1372G>A on transcript NM_000742.4 (MANE Select); coding-DNA position 1372, G replaced by A.
Protein change: p.Gly458Ser; replaces glycine 458 with serine.
Molecular consequence: missense variant.
Genome position (GRCh38, 1-based): chr8:27,463,071, C>T on the plus strand (G>A on the coding strand, the complement: CHRNA2 is on the minus strand). VCF-style: chr8-27463071-C-T. GRCh37 (hg19) VCF-style: chr8-27320588-C-T.
Other names: c.1327G>A, p.Gly443Ser (NM_001282455.2); c.895G>A, p.Gly299Ser (NM_001347705.2, NM_001347706.2); c.778G>A, p.Gly260Ser (NM_001347707.2, NM_001347708.2); short protein forms G458S, G443S, G299S, G260S.
Identifiers: ClinVar variation 577049 (VCV000577049.6), dbSNP rs757019076, ClinGen allele CA4689470.

ClinVar aggregate classification (germline): Uncertain significance (1 of 4 stars; one submission).

Conditions:
Familial sleep-related hypermotor epilepsy. Also called: Autosomal Dominant Sleep-Related Hypermotor (Hyperkinetic) Epilepsy. Identifiers: Orphanet 98784, MedGen C3696898, MONDO:0000030.

Allele frequency attached by ClinVar (database versions not stated): gnomAD exomes below 0.00001; TOPMed 0.00001; gnomAD 0.00001; ExAC 0.00001.
gnomAD v4.1: 11 of 1,612,742 alleles (0.00068%); highest among the groups gnomAD compares: Non-Finnish European, 0.00093%; no homozygotes.

Submission:

Labcorp Genetics (formerly Invitae), Labcorp
Classification: Uncertain significance. Last evaluated: 2024-04-10. Review status: criteria provided, single submitter. Criteria: Invitae Variant Classification Sherloc (09022015). Collection method: clinical testing. Allele origin: germline.
Comment: This sequence change replaces glycine, which is neutral and non-polar, with serine, which is neutral and polar, at codon 458 of the CHRNA2 protein (p.Gly458Ser). This variant is present in population databases (rs757019076, gnomAD 0.0009%). This variant has not been reported in the literature in individuals affected with CHRNA2-related conditions. ClinVar contains an entry for this variant (Variation ID: 577049). Advanced modeling of protein sequence and biophysical properties (such as structural, functional, and spatial information, amino acid conservation, physicochemical variation, residue mobility, and thermodynamic stability) performed at Invitae indicates that this missense variant is not expected to disrupt CHRNA2 protein function with a negative predictive value of 80%. In summary, the available evidence is currently insufficient to determine the role of this variant in disease. Therefore, it has been classified as a Variant of Uncertain Significance.